The following is an entry in ClinVar:

NM_001080477.4(TENM3):c.315C>T (p.Leu105=)

Gene: TENM3 (teneurin transmembrane protein 3; plus strand). Cytogenetic location: 4q35.1.
Variant type: single nucleotide variant.
Coding change: c.315C>T on transcript NM_001080477.4 (MANE Select); coding-DNA position 315, C replaced by T.
Protein change: p.Leu105=; no amino-acid change (leucine 105 retained).
Molecular consequence: synonymous variant.
Genome position (GRCh38, 1-based): chr4:182,346,733, C>T. VCF-style: chr4-182346733-C-T. GRCh37 (hg19) VCF-style: chr4-183267886-C-T.
Identifiers: ClinVar variation 774445 (VCV000774445.36), dbSNP rs144353515, ClinGen allele CA3147377.

ClinVar aggregate classification (germline): Benign/Likely benign. Review status: criteria provided, multiple submitters, no conflicts (2 of 4 stars). 4 submissions from 4 submitters: Benign (3); Likely benign (1). Last evaluated 2026-09-01.

Allele frequency attached by ClinVar (database versions not stated): 1000 Genomes Project 0.00339; 1000 Genomes Project 30x 0.00344; TOPMed 0.00574; ESP Exome Variant Server 0.00647; gnomAD exomes 0.00654 and 0.00732; gnomAD 0.00670 and 0.00682; ExAC 0.00703.
gnomAD v4.1: 11,644 of 1,613,516 alleles (0.72%); highest among the groups gnomAD compares: Non-Finnish European, 0.82%; 56 homozygotes.

Submissions (4):

CeGaT Center for Human Genetics Tuebingen
Classification: Likely benign. Last evaluated: 2026-09-01. Review status: criteria provided, single submitter. Criteria: CeGaT Center For Human Genetics Tuebingen Variant Classification Criteria Version 2. Collection method: clinical testing. Allele origin: germline. Affected: yes. Observed: 2 variant alleles.
Comment: TENM3: BP4, BP7, BS2

Labcorp Genetics (formerly Invitae), Labcorp
Classification: Benign. Last evaluated: 2026-01-12. Review status: criteria provided, single submitter. Criteria: Invitae Variant Classification Sherloc (09022015). Collection method: clinical testing. Allele origin: germline.

GeneDx
Classification: Benign. Last evaluated: 2021-05-10. Review status: criteria provided, single submitter. Criteria: GeneDx Variant Classification Process June 2021. Collection method: clinical testing. Allele origin: germline. Affected: yes.

Breakthrough Genomics
Classification: Benign. Review status: criteria provided, single submitter. Criteria: ACMG Guidelines, 2015. Collection method: not provided. Allele origin: germline. Inheritance: Autosomal recessive inheritance. Affected: yes.